The following is an entry in ClinVar:

NM_032638.5(GATA2):c.847C>T (p.Arg283Cys)

Gene: GATA2 (GATA binding protein 2; minus strand). Cytogenetic location: 3q21.3.
Variant type: single nucleotide variant.
Coding change: c.847C>T on transcript NM_032638.5 (MANE Select); coding-DNA position 847, C replaced by T.
Protein change: p.Arg283Cys; replaces arginine 283 with cysteine.
Molecular consequence: missense variant.
Genome position (GRCh38, 1-based): chr3:128,485,751, G>A on the plus strand (C>T on the coding strand, the complement: GATA2 is on the minus strand). VCF-style: chr3-128485751-G-A. GRCh37 (hg19) VCF-style: chr3-128204594-G-A.
Other names: c.847C>T, p.Arg283Cys (NM_001145661.2, NM_001145662.1); c.847C>T (NM_032638.4); short protein forms R283C.
Identifiers: ClinVar variation 1515817 (VCV001515817.9), dbSNP rs148024280, ClinGen allele CA2599952.

ClinVar aggregate classification (germline): Conflicting classifications of pathogenicity. Review status: criteria provided, conflicting classifications (1 of 4 stars). 2 submissions from 2 submitters: Uncertain significance (1); Likely benign (1). Last evaluated 2024-10-28.

Conditions:
Inborn genetic diseases. Identifiers: MedGen C0950123, MeSH D030342.
Deafness-lymphedema-leukemia syndrome. Also called: Emberger syndrome; Lymphedema, primary, with myelodysplasia. Identifiers: Orphanet 3226, MedGen C3279664, MONDO:0013540, OMIM 614038.
Monocytopenia with susceptibility to infections. Also called: MONOCYTOPENIA AND MYCOBACTERIAL INFECTION SYNDROME; MONOCYTOPENIA WITH SUSCEPTIBILITY TO MYCOBACTERIAL, FUNGAL, AND PAPILLOMAVIRUS INFECTIONS AND MYELODYSPLASIA; COMBINED IMMUNODEFICIENCY WITH SUSCEPTIBILITY TO MYCOBACTERIAL, VIRAL, AND FUNGAL INFECTIONS; Dendritic cell, monocyte, B lymphocyte, and natural killer lymphocyte deficiency; IMMUNODEFICIENCY 21; GATA2 DEFICIENCY. Identifiers: Orphanet 228423, MedGen C3280030, MONDO:0013607, OMIM 614172.

Allele frequency attached by ClinVar (database versions not stated): gnomAD exomes below 0.00001 and 0.00001; TOPMed below 0.00001; ExAC 0.00002; ESP Exome Variant Server 0.00008.
gnomAD v4.1: 4 of 1,613,842 alleles (0.00025%); highest among the groups gnomAD compares: African/African-American, 0.0027%; no homozygotes.

Submissions (2):

Ambry Genetics
Classification: Likely benign for Inborn genetic diseases. Last evaluated: 2024-10-28. Review status: criteria provided, single submitter. Criteria: Ambry Variant Classification Scheme 2023. Collection method: clinical testing. Allele origin: germline.

Labcorp Genetics (formerly Invitae), Labcorp
Classification: Uncertain significance for Monocytopenia with susceptibility to infections; Deafness-lymphedema-leukemia syndrome. Last evaluated: 2023-06-05. Review status: criteria provided, single submitter. Criteria: Invitae Variant Classification Sherloc (09022015). Collection method: clinical testing. Allele origin: germline.
Comment: This variant is present in population databases (rs148024280, gnomAD 0.01%). This sequence change replaces arginine, which is basic and polar, with cysteine, which is neutral and slightly polar, at codon 283 of the GATA2 protein (p.Arg283Cys). ClinVar contains an entry for this variant (Variation ID: 1515817). This variant has not been reported in the literature in individuals affected with GATA2-related conditions. Advanced modeling of protein sequence and biophysical properties (such as structural, functional, and spatial information, amino acid conservation, physicochemical variation, residue mobility, and thermodynamic stability) has been performed at Invitae for this missense variant, however the output from this modeling did not meet the statistical confidence thresholds required to predict the impact of this variant on GATA2 protein function. In summary, the available evidence is currently insufficient to determine the role of this variant in disease. Therefore, it has been classified as a Variant of Uncertain Significance.